The following is an entry in ClinVar:

ClinVar aggregate classification (germline): Uncertain significance. Review status: criteria provided, multiple submitters, no conflicts (2 of 4 stars). 3 submissions from 3 submitters: Uncertain significance (2). 1 of the submissions does not count toward it. Last evaluated 2025-01-06.

Conditions:
Metaphyseal chondrodysplasia, McKusick type (CHH). Also called: Cartilage-hair hypoplasia; Cartilage-Hair Hypoplasia (CHH). Identifiers: Orphanet 175, MedGen C0220748, MONDO:0009595, OMIM 250250.
Anauxetic dysplasia. Identifiers: Orphanet 93347, MedGen C1846796, MONDO:0011773.
Anauxetic dysplasia 1 (ANXD1). Also called: Anauxetic Dysplasia (AD). Identifiers: Orphanet 93347, MedGen C4551965, MONDO:0054560, OMIM 607095.
Metaphyseal dysplasia without hypotrichosis. Also called: CARTILAGE-HAIR HYPOPLASIA VARIANT, SKELETAL MANIFESTATIONS ONLY; Metaphyseal Dysplasia without Hypotrichosis (MDWH); CARTILAGE-HAIR HYPOPLASIA-LIKE SKELETAL DYSPLASIA WITHOUT HYPOTRICHOSIS OR IMMUNODEFICIENCY. Identifiers: MedGen C1834821, MONDO:0009601, OMIM 250460.

Allele frequency attached by ClinVar (database versions not stated): gnomAD exomes 0.00002; TOPMed 0.00002; gnomAD 0.00003.

Submissions (3):

Labcorp Genetics (formerly Invitae), Labcorp
Classification: Uncertain significance for Anauxetic dysplasia. Last evaluated: 2025-01-06. Review status: criteria provided, single submitter. Criteria: Invitae Variant Classification Sherloc (09022015). Collection method: clinical testing. Allele origin: germline.
Comment: This variant occurs in the RMRP gene, which encodes an RNA molecule that does not result in a protein product. This variant is present in population databases (no rsID available, gnomAD 0.02%). This variant has not been reported in the literature in individuals affected with RMRP-related conditions. ClinVar contains an entry for this variant (Variation ID: 856051). Experimental studies and prediction algorithms are not available or were not evaluated, and the functional significance of this variant is currently unknown. In summary, the available evidence is currently insufficient to determine the role of this variant in disease. Therefore, it has been classified as a Variant of Uncertain Significance.

Fulgent Genetics
Classification: Uncertain significance for Metaphyseal chondrodysplasia, McKusick type; Metaphyseal dysplasia without hypotrichosis; Anauxetic dysplasia 1. Last evaluated: 2022-03-01. Review status: criteria provided, single submitter. Criteria: ACMG Guidelines, 2015. Collection method: clinical testing. Allele origin: unknown.

Natera, Inc.
Classification: Uncertain significance for Cartilage-hair hypoplasia. Last evaluated: 2020-10-07. Review status: no assertion criteria provided. Collection method: clinical testing. Allele origin: germline. Not counted in ClinVar's aggregate classification.

NC_000009.12:g.35658044T>C

Gene: RMRP (RNA component of mitochondrial RNA processing endoribonuclease; minus strand). Cytogenetic location: 9p13.3.
Variant type: single nucleotide variant.
Genome position: GRCh38 VCF-style: chr9-35658044-T-C. GRCh37 (hg19) VCF-style: chr9-35658041-T-C.
Identifiers: ClinVar variation 856051 (VCV000856051.7), dbSNP rs1479868789, ClinGen allele CA587570260.
Genomic context (GRCh38, chr9:35,658,044, plus strand): 5'-TGTGTAGCCTAGGATACAGGCCTTCAGCACGAACCACGTCCTCAGCTTCACAGAGTAGTA[T>C]TTTATAGCCCTAAAGAAATTGTGTTTTATGATTAGGGTGAGAAAGTTGGTGGCGTGAGAT-3'